The following is an entry in ClinVar:

NM_001903.5(CTNNA1):c.392dup (p.Leu131fs)

Gene: CTNNA1 (catenin alpha 1; plus strand). Cytogenetic location: 5q31.2.
Variant type: Duplication.
Coding change: c.392dup on transcript NM_001903.5 (MANE Select); coding-DNA position 392, one base duplicated (T; older notation c.392dupT).
Protein change: p.Leu131fs; shifts the reading frame from leucine 131.
Molecular consequence: frameshift variant.
Genome position (GRCh38, 1-based): chr5:138,810,128, T duplicated; the last of 3 consecutive T bases (chr5:138,810,126-138,810,128); duplicating any one gives the same sequence. VCF-style (leftmost placement, unchanged base first): chr5-138810125-C-CT. GRCh37 (hg19) VCF-style: chr5-138145814-C-CT.
Other names: c.392dup, p.Leu131fs (NM_001290307.3, NM_001323982.2, NM_001323983.1 and 3 more transcripts); c.83dup, p.Leu28fs (NM_001290309.3); c.23dup, p.Leu8fs (NM_001290310.3); short protein forms L28fs, L131fs, L8fs.
Identifiers: ClinVar variation 654690 (VCV000654690.6), dbSNP rs1581105705, ClinGen allele CA915942589.

ClinVar aggregate classification (germline): Pathogenic (1 of 4 stars; one submission).

Submission:

Labcorp Genetics (formerly Invitae), Labcorp
Classification: Pathogenic. Last evaluated: 2023-05-15. Review status: criteria provided, single submitter. Criteria: Invitae Variant Classification Sherloc (09022015). Collection method: clinical testing. Allele origin: germline.
Comment: ClinVar contains an entry for this variant (Variation ID: 654690). For these reasons, this variant has been classified as Pathogenic. This sequence change creates a premature translational stop signal (p.Leu131Phefs*13) in the CTNNA1 gene. It is expected to result in an absent or disrupted protein product. Loss-of-function variants in CTNNA1 are known to be pathogenic (PMID: 32051609, 34425242). This variant is not present in population databases (gnomAD no frequency). This variant has not been reported in the literature in individuals affected with CTNNA1-related conditions.

Literature cited by the submitters: PubMed 32051609; PubMed 34425242.